The following is an entry in ClinVar:

ClinVar aggregate classification (germline): Uncertain significance (1 of 4 stars; one submission).

Submission:

ISCA site 4
Classification: Uncertain significance. Last evaluated: 2011-08-12. Review status: criteria provided, single submitter. Criteria: Kaminsky et al. (Genet Med. 2011). Collection method: clinical testing. Allele origin: maternal. Affected: yes. Observed: 1 variant allele.
Comment: Copy number variation identified through the course of routine clinical cytogenomic testing in postnatal populations. Clinical assertions have been curated as described in Kaminsky et al. 2011.

GRCh38/hg38 1p34.1(chr1:45440264-45869574)x3

Genes: AKR1A1 (aldo-keto reductase family 1 member A1; plus strand), CCDC163 (CCDC163 homolog; minus strand), CCDC17 (coiled-coil domain containing 17; minus strand), GPBP1L1 (GC-rich promoter binding protein 1 like 1; minus strand), IPP (intracisternal A particle-promoted polypeptide; minus strand) and 31 more. Cytogenetic location: 1p34.1.
Variant type: copy number gain.
Change: copy number 3 (three copies instead of two) of chr1:45,440,264-45,869,574 (429.3 kb, GRCh38 coordinates, 1-based), cytogenetic band 1p34.1.
Identifiers: ClinVar variation 57383 (VCV000057383.1).